The following is an entry in ClinVar:

ClinVar aggregate classification (germline): Uncertain significance (1 of 4 stars; one submission).

Conditions:
DCHS1-related disorder. Also called: DCHS1-related condition.

Submission:

PreventionGenetics, part of Exact Sciences
Classification: Uncertain significance for DCHS1-related condition. Last evaluated: 2023-03-28. Review status: criteria provided, single submitter. Criteria: ACMG Guidelines, 2015. Collection method: clinical testing. Allele origin: germline.
Comment: The DCHS1 c.3938C>A variant is predicted to result in the amino acid substitution p.Pro1313His. To our knowledge, this variant has not been reported in the literature or in a large population database, indicating this variant is rare. At this time, the clinical significance of this variant is uncertain due to the absence of conclusive functional and genetic evidence.

NM_003737.4(DCHS1):c.3938C>A (p.Pro1313His)

Gene: DCHS1 (dachsous cadherin-related 1; minus strand). Cytogenetic location: 11p15.4.
Variant type: single nucleotide variant.
Coding change: c.3938C>A on transcript NM_003737.4 (MANE Select); coding-DNA position 3938, C replaced by A.
Protein change: p.Pro1313His; replaces proline 1313 with histidine.
Molecular consequence: missense variant.
Genome position (GRCh38, 1-based): chr11:6,630,856, G>T on the plus strand (C>A on the coding strand, the complement: DCHS1 is on the minus strand). VCF-style: chr11-6630856-G-T. GRCh37 (hg19) VCF-style: chr11-6652087-G-T.
Other names: short protein forms P1313H.
Identifiers: ClinVar variation 2633872 (VCV002633872.1), dbSNP rs1250750044, ClinGen allele CA379407977.